The following is an entry in ClinVar:

NM_024675.4(PALB2):c.*9A>G

Gene: PALB2 (partner and localizer of BRCA2; minus strand). Cytogenetic location: 16p12.2.
Variant type: single nucleotide variant.
Coding change: c.*9A>G on transcript NM_024675.4 (MANE Select); 9 bases downstream of the stop codon, A replaced by G.
Molecular consequence: 3 prime UTR variant.
Genome position (GRCh38, 1-based): chr16:23,603,450, T>C on the plus strand (A>G on the coding strand, the complement: PALB2 is on the minus strand). VCF-style: chr16-23603450-T-C. GRCh37 (hg19) VCF-style: chr16-23614771-T-C.
Other names: c.*9A>G (NM_001407296.1, NM_001407297.1, NM_001407298.1 and 10 more transcripts); c.*205A>G (NM_001407301.1, NM_001407302.1, NM_001407310.1 and 2 more transcripts).
Identifiers: ClinVar variation 3904767 (VCV003904767.1).
Genomic context (GRCh38, chr16:23,603,450, plus strand): 5'-ATTTAAAACTCCAAAAAATACTAAGAGGCCCAATATATCCAGAAAATTGTGTTTTCACTT[T>C]ACCCTAACTTATGAATAGTGGTATACAAATATATTTCCATCTTTTTGTCCAGCCAGCAAA-3'

ClinVar aggregate classification (germline): Benign (1 of 4 stars; one submission).

Conditions:
Familial cancer of breast. Also called: Hereditary breast cancer; hereditary breast carcinoma; BREAST CANCER, FAMILIAL. Identifiers: Orphanet 227535, MedGen C0346153, MONDO:0016419, OMIM 114480. Disease mechanism: loss of function.

Submission:

Myriad Genetics, Inc.
Classification: Benign for Familial cancer of breast. Last evaluated: 2025-01-22. Review status: criteria provided, single submitter. Criteria: Myriad Autosomal Dominant, Autosomal Recessive and X-Linked Classification Criteria (2023). Collection method: clinical testing. Allele origin: unknown.
Comment: This variant is considered benign. This variant occurs in the non-coding 3' untranslated region of the gene, and is not expected to impact protein function.